The following is an entry in ClinVar:

NM_182914.3(SYNE2):c.13072C>T (p.Leu4358Phe)

Gene: SYNE2 (spectrin repeat containing nuclear envelope protein 2; plus strand). Cytogenetic location: 14q23.2.
Variant type: single nucleotide variant.
Coding change: c.13072C>T on transcript NM_182914.3 (MANE Select); coding-DNA position 13072, C replaced by T.
Protein change: p.Leu4358Phe; replaces leucine 4358 with phenylalanine.
Molecular consequence: missense variant.
Genome position (GRCh38, 1-based): chr14:64,120,975, C>T. VCF-style: chr14-64120975-C-T. GRCh37 (hg19) VCF-style: chr14-64587693-C-T.
Other names: c.13072C>T, p.Leu4358Phe (NM_015180.6); short protein forms L4358F.
Identifiers: ClinVar variation 2644298 (VCV002644298.24), dbSNP rs1292902897, ClinGen allele CA389961857.

ClinVar aggregate classification (germline): Uncertain significance (1 of 4 stars; one submission).

Allele frequency attached by ClinVar (database versions not stated): gnomAD exomes below 0.00001; TOPMed below 0.00001.
gnomAD v4.1: 1 of 1,614,172 alleles (0.000062%); highest among the groups gnomAD compares: Non-Finnish European, 0.000085%; no homozygotes.

Submission:

CeGaT Center for Human Genetics Tuebingen
Classification: Uncertain significance. Last evaluated: 2023-10-01. Review status: criteria provided, single submitter. Criteria: CeGaT Center For Human Genetics Tuebingen Variant Classification Criteria Version 2. Collection method: clinical testing. Allele origin: germline. Affected: yes. Observed: 1 variant allele.
Comment: SYNE2: PM2, BP4